The following is an entry in ClinVar:

NM_001146262.4(SYT14):c.61+13133_61+13134dup

Gene: SYT14 (synaptotagmin 14; plus strand). Cytogenetic location: 1q32.2.
Variant type: Duplication.
Coding change: c.61+13133_61+13134dup on transcript NM_001146262.4 (MANE Select); bases 13133 to 13134 of the intron after coding-DNA position 61, 2 bases duplicated (TT; older notation c.61+13133_61+13134dupTT).
Molecular consequence: intron variant.
Genome position (GRCh38, 1-based): chr1:209,965,889-209,965,890, TT duplicated; duplicating any 2 consecutive bases within chr1:209,965,878-209,965,890 gives the same sequence; the c. name uses the placement nearest the transcript's 3' end. VCF-style (leftmost placement, unchanged base first): chr1-209965877-C-CTT. GRCh37 (hg19) VCF-style: chr1-210139222-C-CTT.
Other names: c.-989+12630_-989+12631dup (NM_001397545.1); c.-54+12630_-54+12631dup (NM_001256006.3); c.76-4_76-3dup (NM_001146261.4, NM_001146264.4); c.-989+13133_-989+13134dup (NM_001397544.1); c.61+13133_61+13134dup (NM_153262.5).
Identifiers: ClinVar variation 3047989 (VCV003047989.2), dbSNP rs752741374, ClinGen allele CA1378168.
Genomic context (GRCh38, chr1:209,965,877, plus strand): 5'-GCCTTTATCCTTTTGTATCAAATCAATAGATTATATATTTATCGGTTTATTTTTGAACTT[C>CTT]TTTTTTTTTTTTTAGATAGGGTATTTCTCTGTGGCCAGGCTGGAGTACAGTGGCACCATC-3'

ClinVar aggregate classification (germline): Likely benign (0 of 4 stars; one submission).

Conditions:
SYT14-related disorder. Also called: SYT14-related condition.

Submission:

PreventionGenetics, part of Exact Sciences
Classification: Likely benign for SYT14-related condition. Last evaluated: 2020-01-31. Review status: no assertion criteria provided. Collection method: clinical testing. Allele origin: germline.
Comment: This variant is classified as likely benign based on ACMG/AMP sequence variant interpretation guidelines (Richards et al. 2015 PMID: 25741868, with internal and published modifications).